The following is an entry in ClinVar:

NM_001164508.2(NEB):c.8790T>G (p.Asp2930Glu)

Gene: NEB (nebulin; minus strand). Cytogenetic location: 2q23.3.
Variant type: single nucleotide variant.
Coding change: c.8790T>G on transcript NM_001164508.2 (MANE Select); coding-DNA position 8790, T replaced by G.
Protein change: p.Asp2930Glu; replaces aspartic acid 2930 with glutamic acid.
Molecular consequence: missense variant.
Genome position (GRCh38, 1-based): chr2:151,639,956, A>C on the plus strand (T>G on the coding strand, the complement: NEB is on the minus strand). VCF-style: chr2-151639956-A-C. GRCh37 (hg19) VCF-style: chr2-152496470-A-C.
Other names: c.8790T>G, p.Asp2930Glu (NM_001164507.2, NM_001271208.2, NM_004543.5); short protein forms D2930E.
Identifiers: ClinVar variation 1969669 (VCV001969669.2), dbSNP rs2552243463, ClinGen allele CA348809261.
Genomic context (GRCh38, chr2:151,639,956, plus strand): 5'-TTCCAGAGAGTCAGTCACACTGGTAAATTTGAATCTGTCTGGAGGCTGGCGATAGATTTT[A>C]TCACTCAAAATTTCAGTTGCCCTTTTGCATTTTTCCACATCCAAAGAGCCAATGGACACC-3'
Protein context (NP_001157980.2, residues 2920-2940): KCKRATEILS[Asp2930Glu]KIYRQPPDRF

ClinVar aggregate classification (germline): Uncertain significance (1 of 4 stars; one submission).

Conditions:
Nemaline myopathy 2 (NEM2). Also called: Nemaline myopathy 2, autosomal recessive. Identifiers: MedGen C1850569, MONDO:0009725, OMIM 256030.

Submission:

Labcorp Genetics (formerly Invitae), Labcorp
Classification: Uncertain significance for Nemaline myopathy 2. Last evaluated: 2022-09-07. Review status: criteria provided, single submitter. Criteria: Invitae Variant Classification Sherloc (09022015). Collection method: clinical testing. Allele origin: germline.
Comment: This sequence change replaces aspartic acid, which is acidic and polar, with glutamic acid, which is acidic and polar, at codon 2930 of the NEB protein (p.Asp2930Glu). This variant is not present in population databases (gnomAD no frequency). This variant has not been reported in the literature in individuals affected with NEB-related conditions. Algorithms developed to predict the effect of missense changes on protein structure and function are either unavailable or do not agree on the potential impact of this missense change (SIFT: "Deleterious"; PolyPhen-2: "Not Available"; Align-GVGD: "Class C0"). In summary, the available evidence is currently insufficient to determine the role of this variant in disease. Therefore, it has been classified as a Variant of Uncertain Significance.